The following is an entry in ClinVar:

NM_003036.4(SKI):c.1943G>C (p.Arg648Pro)

Gene: SKI (SKI proto-oncogene; plus strand). Cytogenetic location: 1p36.32.
Variant type: single nucleotide variant.
Coding change: c.1943G>C on transcript NM_003036.4 (MANE Select); coding-DNA position 1943, G replaced by C.
Protein change: p.Arg648Pro; replaces arginine 648 with proline.
Molecular consequence: missense variant.
Genome position (GRCh38, 1-based): chr1:2,306,195, G>C. VCF-style: chr1-2306195-G-C. GRCh37 (hg19) VCF-style: chr1-2237634-G-C.
Other names: short protein forms R648P.
Identifiers: ClinVar variation 1699528 (VCV001699528.3), dbSNP rs1489484319, ClinGen allele CA337959176.

ClinVar aggregate classification (germline): Uncertain significance (1 of 4 stars; one submission).

gnomAD v4.1: 1 of 1,583,334 alleles (0.000063%); highest among the groups gnomAD compares: Non-Finnish European, 0.000086%; no homozygotes.

Submission:

GeneDx
Classification: Uncertain significance. Last evaluated: 2025-08-25. Review status: criteria provided, single submitter. Criteria: GeneDx Variant Classification Process June 2021. Collection method: clinical testing. Allele origin: germline.
Comment: Not observed at significant frequency in large population cohorts (gnomAD); In silico analysis supports that this missense variant has a deleterious effect on protein structure/function; Has not been previously published as pathogenic or benign to our knowledge